The following is an entry in ClinVar:

ClinVar aggregate classification (germline): Likely benign. Review status: criteria provided, multiple submitters, no conflicts (2 of 4 stars). 3 submissions from 3 submitters: Likely benign (3). Last evaluated 2026-01-21.

Conditions:
HNSHA due to aldolase A deficiency (GSD12). Also called: GLYCOGEN STORAGE DISEASE XII; GSD XII; RED CELL ALDOLASE DEFICIENCY; Glycogen storage disease due to aldolase A deficiency. Identifiers: Orphanet 57, MedGen C0272066, MONDO:0012747, OMIM 611881.

Allele frequency attached by ClinVar (database versions not stated): gnomAD exomes 0.00005 and 0.00014; ExAC 0.00016; gnomAD 0.00046; TOPMed 0.00047; ESP Exome Variant Server 0.00085; 1000 Genomes Project 0.00100; 1000 Genomes Project 30x 0.00109.
gnomAD v4.1: 142 of 1,614,078 alleles (0.0088%); highest among the groups gnomAD compares: African/African-American, 0.16%; no homozygotes.

Submissions (3):

Labcorp Genetics (formerly Invitae), Labcorp
Classification: Likely benign for HNSHA due to aldolase A deficiency. Last evaluated: 2026-01-21. Review status: criteria provided, single submitter. Criteria: Invitae Variant Classification Sherloc (09022015). Collection method: clinical testing. Allele origin: germline.

ARUP Laboratories, Molecular Genetics and Genomics, ARUP Laboratories
Classification: Likely benign for HNSHA due to aldolase A deficiency. Last evaluated: 2024-05-30. Review status: criteria provided, single submitter. Criteria: ARUP Molecular Germline Variant Investigation Process 2024. Collection method: clinical testing. Allele origin: germline.

GeneDx
Classification: Likely benign. Last evaluated: 2016-03-22. Review status: criteria provided, single submitter. Criteria: GeneDx Variant Classification (06012015). Collection method: clinical testing. Allele origin: germline. Affected: yes.
Comment: This variant is considered likely benign or benign based on one or more of the following criteria: it is a conservative change, it occurs at a poorly conserved position in the protein, it is predicted to be benign by multiple in silico algorithms, and/or has population frequency not consistent with disease.

NM_001243177.4(ALDOA):c.1182A>G (p.Gln394=)

Genes: ALDOA (aldolase, fructose-bisphosphate A; plus strand), LOC112694756 (uncharaterized LOC112694756; plus strand). Cytogenetic location: 16p11.2.
Variant type: single nucleotide variant.
Coding change: c.1182A>G on transcript NM_001243177.4 (MANE Select); coding-DNA position 1182, A replaced by G.
Protein change: p.Gln394=; no amino-acid change (glutamine 394 retained).
Molecular consequence: synonymous variant. On other transcripts: 3 prime UTR variant (3).
Genome position (GRCh38, 1-based): chr16:30,070,137, A>G. VCF-style: chr16-30070137-A-G. GRCh37 (hg19) VCF-style: chr16-30081458-A-G.
Other names: c.*1529A>G (NM_001365304.2, NM_001365305.2, NM_001365307.2); c.1020A>G, p.Gln340= (NM_001127617.2, NM_184041.5, NM_184043.2).
Identifiers: ClinVar variation 384272 (VCV000384272.11), dbSNP rs143419532, ClinGen allele CA8001245.